The following is an entry in ClinVar:

ClinVar aggregate classification (germline): Pathogenic. Review status: criteria provided, multiple submitters, no conflicts (2 of 4 stars). 2 submissions from 2 submitters: Pathogenic (2). Last evaluated 2025-07-18.

Conditions:
VPS13A-related neurodegenerative disease. Also called: VPS13A Disease; LEVINE-CRITCHLEY SYNDROME; Choreoacanthocytosis; ACANTHOCYTOSIS WITH NEUROLOGIC DISORDER; Chorea-acanthocytosis; Choreaacanthocytosis. Identifiers: Orphanet 2388, MedGen C0393576, MONDO:0008695, OMIM 200150.

Submissions (2):

Natera, Inc.
Classification: Pathogenic for Choreaacanthocytosis. Last evaluated: 2025-07-18. Review status: criteria provided, single submitter. Criteria: Natera Variant Classification Schema (03/2026). Collection method: clinical testing. Allele origin: germline.
Comment: The c.144+1G>C variant in VPS13A is a canonical splice donor site variant predicted to affect pre-mRNA splicing, which may result in an abnormal transcript and altered protein product. This variant is expected to result in nonsense mediated decay, truncation, or a dysfunctional protein product. This variant is rare in the general population with a frequency below the threshold expected for the associated phenotype(s). This variant has been observed in one or more individuals affected with the associated recessive disease, as either homozygous or compound heterozygous with a second variant (PMID: 38519717). Given the available evidence, this variant is classified as Pathogenic.

Department of Genetics and Molecular Medicine, Faculty of Medicine, Zanjan University of Medical Sciences
Classification: Pathogenic for VPS13A-related neurodegenerative disease. Review status: criteria provided, single submitter. Criteria: ACMG Guidelines, 2015. Collection method: clinical testing. Allele origin: biparental. Inheritance: Autosomal recessive inheritance. Affected: yes. Observed: 1 homozygote.
Comment: The variant c.144+1G>C was predicted by ASSP, NNSplice, and Netgene2 to affect the wild-type donor splice site (tgccctgGTaggttt) at the end of exon 2. ASSP and NNSplice identified a cryptic donor site at position c.144+127 (gcaaaatGTaaattt) within intron 2, with scores of 8.225 and 0.57, respectively. This cryptic donor splice site may lead to the retention of 128 bp of intron 2 and, consequently, the occurrence of a premature stop codon.this variant was not detected in control databases such as the 1000G, EVS, ExAC, and dbSNP or in the literature. Additionally, this variant was absent in the Iranome database.

Literature cited by the submitters: PubMed 38519717 (cited by Natera, Inc.).

NM_033305.3(VPS13A):c.144+1G>C

Gene: VPS13A (vacuolar protein sorting 13 homolog A; plus strand). Cytogenetic location: 9q21.2.
Variant type: single nucleotide variant.
Coding change: c.144+1G>C on transcript NM_033305.3 (MANE Select); the canonical splice donor site of the intron after coding-DNA position 144, G replaced by C.
Molecular consequence: splice donor variant.
Genome position (GRCh38, 1-based): chr9:77,199,989, G>C. VCF-style: chr9-77199989-G-C. GRCh37 (hg19) VCF-style: chr9-79814905-G-C.
Other names: c.144+1G>C (NM_033305.2, NM_001018037.2, NM_015186.4 and 1 more transcripts).
Identifiers: ClinVar variation 2577483 (VCV002577483.3), dbSNP rs2537517002, ClinGen allele CA373841320.